The following is an entry in ClinVar:

ClinVar aggregate classification (germline): Uncertain significance. Review status: criteria provided, multiple submitters, no conflicts (2 of 4 stars). 2 submissions from 2 submitters: Uncertain significance (2). Last evaluated 2022-05-24.

Conditions:
Glycogen storage disease, type V (GSD5). Also called: McArdle type glycogen storage disease; PYGM DEFICIENCY; MCARDLE DISEASE; MUSCLE GLYCOGEN PHOSPHORYLASE DEFICIENCY; MYOPHOSPHORYLASE DEFICIENCY. Identifiers: Orphanet 368, MedGen C0017924, MONDO:0009293, OMIM 232600.

Allele frequency attached by ClinVar (database versions not stated): ExAC 0.00001; TOPMed 0.00003.
gnomAD v4.1: 42 of 1,613,870 alleles (0.0026%); highest among the groups gnomAD compares: Middle Eastern, 0.017%; no homozygotes.

Submissions (2):

Labcorp Genetics (formerly Invitae), Labcorp
Classification: Uncertain significance for Glycogen storage disease, type V. Last evaluated: 2022-05-24. Review status: criteria provided, single submitter. Criteria: Invitae Variant Classification Sherloc (09022015). Collection method: clinical testing. Allele origin: germline.
Comment: This sequence change replaces valine, which is neutral and non-polar, with methionine, which is neutral and non-polar, at codon 300 of the PYGM protein (p.Val300Met). This variant is present in population databases (rs757387408, gnomAD 0.006%). This variant has not been reported in the literature in individuals affected with PYGM-related conditions. Algorithms developed to predict the effect of missense changes on protein structure and function are either unavailable or do not agree on the potential impact of this missense change (SIFT: "Not Available"; PolyPhen-2: "Possibly Damaging"; Align-GVGD: "Not Available"). In summary, the available evidence is currently insufficient to determine the role of this variant in disease. Therefore, it has been classified as a Variant of Uncertain Significance.

Mayo Clinic Laboratories, Mayo Clinic
Classification: Uncertain significance. Last evaluated: 2021-11-04. Review status: criteria provided, single submitter. Criteria: ACMG Guidelines, 2015. Collection method: clinical testing. Allele origin: germline.

NM_005609.4(PYGM):c.898G>A (p.Val300Met)

Gene: PYGM (glycogen phosphorylase, muscle associated; minus strand). Cytogenetic location: 11q13.1.
Variant type: single nucleotide variant.
Coding change: c.898G>A on transcript NM_005609.4 (MANE Select); coding-DNA position 898, G replaced by A.
Protein change: p.Val300Met; replaces valine 300 with methionine.
Molecular consequence: missense variant.
Genome position (GRCh38, 1-based): chr11:64,754,794, C>T on the plus strand (G>A on the coding strand, the complement: PYGM is on the minus strand). VCF-style: chr11-64754794-C-T. GRCh37 (hg19) VCF-style: chr11-64522266-C-T.
Other names: p.Val300Met; c.634G>A, p.Val212Met (NM_001164716.1); short protein forms V212M, V300M.
Identifiers: ClinVar variation 1694054 (VCV001694054.6), dbSNP rs757387408, ClinGen allele CA6080076.